The following is an entry in ClinVar:

ClinVar aggregate classification (germline): Uncertain significance (1 of 4 stars; one submission).

Submission:

GeneDx
Classification: Uncertain significance. Last evaluated: 2026-04-01. Review status: criteria provided, single submitter. Criteria: GeneDx Variant Classification Process June 2021. Collection method: clinical testing. Allele origin: germline.
Comment: Not observed at significant frequency in large population cohorts (gnomAD); In-frame deletion of 3 amino acid(s) and insertion of 1 different amino acid(s) in a non-repeat region; In silico analysis suggests that this variant does not alter protein structure/function; Has not been previously published as pathogenic or benign to our knowledge

NM_001122821.2(SET):c.14_20delinsT (p.Arg5_Ser7delinsLeu)

Genes: DYNC2I2 (dynein 2 intermediate chain 2; minus strand), SET (SET nuclear proto-oncogene; plus strand). Cytogenetic location: 9q34.11.
Variant type: Indel.
Coding change: c.14_20delinsT on transcript NM_001122821.2; coding-DNA positions 14 to 20, GCCAGTC replaced by T.
Protein change: p.Arg5_Ser7delinsLeu.
Molecular consequence: inframe indel.
Genome position (GRCh38, 1-based): chr9:128,683,909-128,683,915, GCCAGTC replaced by T. VCF-style: chr9-128683909-GCCAGTC-T. GRCh37 (hg19) VCF-style: chr9-131446188-GCCAGTC-T.
Other names: c.14_20delinsT, p.Arg5_Ser7delinsLeu (NM_001374326.1).
Identifiers: ClinVar variation 5018125 (VCV005018125.1).